The following is an entry in ClinVar:

ClinVar aggregate classification (germline): Uncertain significance (1 of 4 stars; one submission).

Submission:

Labcorp Genetics (formerly Invitae), Labcorp
Classification: Uncertain significance. Last evaluated: 2022-02-03. Review status: criteria provided, single submitter. Criteria: Invitae Variant Classification Sherloc (09022015). Collection method: clinical testing. Allele origin: germline.
Comment: In summary, the available evidence is currently insufficient to determine the role of this variant in disease. Therefore, it has been classified as a Variant of Uncertain Significance. This variant has not been reported in the literature in individuals affected with GRM6-related conditions. This variant results in a copy number gain of the genomic region encompassing exon(s) 9-10 of the GRM6 gene. This region includes the termination codon of the gene. This copy number gain extends beyond the assayed region for this gene and therefore may encompass additional genes. As the precise location of this event is unknown, it may be in tandem or it may be located elsewhere in the genome.

NC_000005.9:g.(?_178408658)_(178410242_?)dup

Gene: GRM6 (glutamate metabotropic receptor 6; minus strand). Cytogenetic location: 5q35.3.
Variant type: Duplication.
Identifiers: ClinVar variation 2423424 (VCV002423424.4).